The following is an entry in ClinVar:

NM_000168.6(GLI3):c.2833C>A (p.Leu945Met)

Gene: GLI3 (GLI family zinc finger 3; minus strand). Cytogenetic location: 7p14.1.
Variant type: single nucleotide variant.
Coding change: c.2833C>A on transcript NM_000168.6 (MANE Select); coding-DNA position 2833, C replaced by A.
Protein change: p.Leu945Met; replaces leucine 945 with methionine.
Molecular consequence: missense variant.
Genome position (GRCh38, 1-based): chr7:41,966,240, G>T on the plus strand (C>A on the coding strand, the complement: GLI3 is on the minus strand). VCF-style: chr7-41966240-G-T. GRCh37 (hg19) VCF-style: chr7-42005838-G-T.
Other names: short protein forms L945M.
Identifiers: ClinVar variation 3757270 (VCV003757270.2).

ClinVar aggregate classification (germline): Uncertain significance (1 of 4 stars; one submission).

Conditions:
Pallister-Hall syndrome (PHS). Also called: HYPOTHALAMIC HAMARTOBLASTOMA, HYPOPITUITARISM, IMPERFORATE ANUS, AND POSTAXIAL POLYDACTYLY; GLI3-Related Pallister-Hall Syndrome. Identifiers: Orphanet 672, MedGen C0265220, MONDO:0007804, OMIM 146510.
Greig cephalopolysyndactyly syndrome (GCPS). Also called: GLI3-Related Greig Cephalopolysyndactyly Syndrome; POLYSYNDACTYLY WITH PECULIAR SKULL SHAPE; Greig syndrome. Identifiers: Orphanet 380, MedGen C0265306, MONDO:0008287, OMIM 175700.

Submission:

Labcorp Genetics (formerly Invitae), Labcorp
Classification: Uncertain significance for Pallister-Hall syndrome; Greig cephalopolysyndactyly syndrome. Last evaluated: 2024-07-17. Review status: criteria provided, single submitter. Criteria: Invitae Variant Classification Sherloc (09022015). Collection method: clinical testing. Allele origin: germline.
Comment: This sequence change replaces leucine, which is neutral and non-polar, with methionine, which is neutral and non-polar, at codon 945 of the GLI3 protein (p.Leu945Met). This variant is not present in population databases (gnomAD no frequency). This variant has not been reported in the literature in individuals affected with GLI3-related conditions. Advanced modeling of protein sequence and biophysical properties (such as structural, functional, and spatial information, amino acid conservation, physicochemical variation, residue mobility, and thermodynamic stability) performed at Invitae indicates that this missense variant is expected to disrupt GLI3 protein function with a positive predictive value of 80%. In summary, the available evidence is currently insufficient to determine the role of this variant in disease. Therefore, it has been classified as a Variant of Uncertain Significance.